The following is an entry in ClinVar:

ClinVar aggregate classification (germline): Benign (0 of 4 stars; one submission).

Conditions:
ITSN2-related disorder. Also called: ITSN2-related condition.

Allele frequency attached by ClinVar (database versions not stated): ESP Exome Variant Server 0.00015; 1000 Genomes Project 30x 0.00734; 1000 Genomes Project 0.00819.
gnomAD v4.1: 1,777 of 1,614,184 alleles (0.11%); highest among the groups gnomAD compares: East Asian, 3.6%; 27 homozygotes.

Submission:

PreventionGenetics, part of Exact Sciences
Classification: Benign for ITSN2-related condition. Last evaluated: 2019-08-01. Review status: no assertion criteria provided. Collection method: clinical testing. Allele origin: germline.
Comment: This variant is classified as benign based on ACMG/AMP sequence variant interpretation guidelines (Richards et al. 2015 PMID: 25741868, with internal and published modifications).

NM_006277.3(ITSN2):c.4325A>C (p.Tyr1442Ser)

Gene: ITSN2 (intersectin 2; minus strand). Cytogenetic location: 2p23.3.
Variant type: single nucleotide variant.
Coding change: c.4325A>C on transcript NM_006277.3 (MANE Select); coding-DNA position 4325, A replaced by C.
Protein change: p.Tyr1442Ser; replaces tyrosine 1442 with serine.
Molecular consequence: missense variant.
Genome position (GRCh38, 1-based): chr2:24,209,966, T>G on the plus strand (A>C on the coding strand, the complement: ITSN2 is on the minus strand). VCF-style: chr2-24209966-T-G. GRCh37 (hg19) VCF-style: chr2-24432835-T-G.
Other names: c.4283A>C, p.Tyr1428Ser (NM_001348181.2); c.4205A>C, p.Tyr1402Ser (NM_001348182.2); c.4244A>C, p.Tyr1415Ser (NM_019595.4); short protein forms Y1402S, Y1415S, Y1428S, Y1442S.
Identifiers: ClinVar variation 3035508 (VCV003035508.2), dbSNP rs148365890, ClinGen allele CA1550610.